The following is an entry in ClinVar:

ClinVar aggregate classification (germline): Likely benign (1 of 4 stars; one submission).

Submission:

GeneDx
Classification: Likely benign. Last evaluated: 2017-03-14. Review status: criteria provided, single submitter. Criteria: GeneDx Variant Classification (06012015). Collection method: clinical testing. Allele origin: germline. Affected: yes.
Comment: This variant is considered likely benign or benign based on one or more of the following criteria: it is a conservative change, it occurs at a poorly conserved position in the protein, it is predicted to be benign by multiple in silico algorithms, and/or has population frequency not consistent with disease.

NM_013352.4(DSE):c.2001A>G (p.Pro667=)

Gene: DSE (dermatan sulfate epimerase; plus strand). Cytogenetic location: 6q22.1.
Variant type: single nucleotide variant.
Coding change: c.2001A>G on transcript NM_013352.4 (MANE Select); coding-DNA position 2001, A replaced by G.
Protein change: p.Pro667=; no amino-acid change (proline 667 retained).
Molecular consequence: synonymous variant. On other transcripts: 3 prime UTR variant (2), non-coding transcript variant (1).
Genome position (GRCh38, 1-based): chr6:116,436,469, A>G. VCF-style: chr6-116436469-A-G. GRCh37 (hg19) VCF-style: chr6-116757632-A-G.
Other names: c.2001A>G, p.Pro667= (NM_001080976.3, NM_001322937.2, NM_001322938.2); c.2058A>G, p.Pro686= (NM_001322939.2); c.1440A>G, p.Pro480= (NM_001322940.2, NM_001322941.2); c.*866A>G (NM_001322943.2, NM_001322944.2); c.1002A>G, p.Pro334= (NM_001374520.1); c.966A>G, p.Pro322= (NM_001374521.1).
Identifiers: ClinVar variation 507955 (VCV000507955.1), dbSNP rs1554228309, ClinGen allele CA451902126.
Genomic context (GRCh38, chr6:116,436,469, plus strand): 5'-GAATGTCACCATGCACCTCCGAAGTCCCATCACCAGGGCAGCTTACCTCTTCATAGGGCC[A>G]TCTATAGATGTTCAGAGCTTCACTGTCCACGGAGACTCTCAGCAACTGGATGTGTTCATA-3'
Protein context (NP_037484.1, residues 657-677): ITRAAYLFIG[Pro667=]SIDVQSFTVH